The following is an entry in ClinVar:

NC_000005.9:g.(?_80150123)_(80151028_?)del

Gene: MSH3 (mutS homolog 3; plus strand). Cytogenetic location: 5q14.1.
Variant type: Deletion.
Identifiers: ClinVar variation 3246500 (VCV003246500.1).

ClinVar aggregate classification (germline): Likely pathogenic (1 of 4 stars; one submission).

Submission:

Labcorp Genetics (formerly Invitae), Labcorp
Classification: Likely pathogenic. Last evaluated: 2024-01-04. Review status: criteria provided, single submitter. Criteria: Invitae Variant Classification Sherloc (09022015). Collection method: clinical testing. Allele origin: unknown.
Comment: This variant results in the deletion of part of exon 21 (c.2988_3000+893del) of the MSH3 gene. It is expected to disrupt RNA splicing. Variants that disrupt the donor or acceptor splice site typically lead to a loss of protein function (PMID: 16199547), and loss-of-function variants in MSH3 are known to be pathogenic (PMID: 27476653, 37402566). This variant has not been reported in the literature in individuals affected with MSH3-related conditions. ClinVar contains an entry for this variant (Variation ID: 649125). Studies have shown that this variant is associated with inconclusive levels of altered splicing (Invitae). In summary, the currently available evidence indicates that the variant is pathogenic, but additional data are needed to prove that conclusively. Therefore, this variant has been classified as Likely Pathogenic.

Literature cited by the submitters: PubMed 16199547; PubMed 27476653; PubMed 37402566.